The following is an entry in ClinVar:

NM_015271.5(TRIM2):c.85G>T (p.Ala29Ser)

Gene: TRIM2 (tripartite motif containing 2; plus strand). Cytogenetic location: 4q31.3.
Variant type: single nucleotide variant.
Coding change: c.85G>T on transcript NM_015271.5 (MANE Select); coding-DNA position 85, G replaced by T.
Protein change: p.Ala29Ser; replaces alanine 29 with serine.
Molecular consequence: missense variant. On other transcripts: 5 prime UTR variant (3), intron variant (1).
Genome position (GRCh38, 1-based): chr4:153,270,389, G>T. VCF-style: chr4-153270389-G-T. GRCh37 (hg19) VCF-style: chr4-154191541-G-T.
Other names: c.4G>T, p.Ala2Ser (NM_001130067.2, NM_001351056.2, NM_001375512.1 and 5 more transcripts); c.85G>T, p.Ala29Ser (NM_001302692.2, NM_001375488.1, NM_001375490.1 and 1 more transcripts); c.82G>T, p.Ala28Ser (NM_001302693.2, NM_001375489.1, NM_001375491.1 and 1 more transcripts); c.58G>T, p.Ala20Ser (NM_001302694.2, NM_001351054.2); c.55G>T, p.Ala19Ser (NM_001351055.2); c.-473G>T (NM_001351057.2); c.-205G>T (NM_001375522.1, NM_001375523.1); c.-124-5504G>T (NM_001375525.1); short protein forms A19S, A29S, A2S, A20S, A28S.
Identifiers: ClinVar variation 2043701 (VCV002043701.4), dbSNP rs2546381877, ClinGen allele CA358468957.
Genomic context (GRCh38, chr4:153,270,389, plus strand): 5'-TGACAGCAGCAGCGTGCAGGGTCAAAGACAGCCGGCCCCCCATGTCAGTGGTCTAGGATG[G>T]CCAGTGAAGGCACCAACATCCCAAGTCCTGTGGTGCGCCAGATTGACAAGCAGTTTCTGA-3'
Protein context (NP_056086.2, residues 19-39): AGPPCQWSRM[Ala29Ser]SEGTNIPSPV

ClinVar aggregate classification (germline): Uncertain significance (1 of 4 stars; one submission).

Conditions:
Charcot-Marie-Tooth disease type 2R. Also called: CHARCOT-MARIE-TOOTH DISEASE, AXONAL, AUTOSOMAL RECESSIVE, TYPE 2R; Charcot-Marie-Tooth disease, axonal, type 2R; CHARCOT-MARIE-TOOTH NEUROPATHY, TYPE 2R. Identifiers: Orphanet 397968, MedGen C3809655, MONDO:0014208, OMIM 615490.

gnomAD v4.1: 1 of 1,614,002 alleles (0.000062%); no homozygotes.

Submission:

Labcorp Genetics (formerly Invitae), Labcorp
Classification: Uncertain significance for Charcot-Marie-Tooth disease type 2R. Last evaluated: 2023-10-23. Review status: criteria provided, single submitter. Criteria: Invitae Variant Classification Sherloc (09022015). Collection method: clinical testing. Allele origin: germline.
Comment: This sequence change replaces alanine, which is neutral and non-polar, with serine, which is neutral and polar, at codon 2 of the TRIM2 protein (p.Ala2Ser). This variant is not present in population databases (gnomAD no frequency). This variant has not been reported in the literature in individuals affected with TRIM2-related conditions. ClinVar contains an entry for this variant (Variation ID: 2043701). An algorithm developed to predict the effect of missense changes on protein structure and function (PolyPhen-2) suggests that this variant is likely to be tolerated. In summary, the available evidence is currently insufficient to determine the role of this variant in disease. Therefore, it has been classified as a Variant of Uncertain Significance.